The following is an entry in ClinVar:

ClinVar aggregate classification (germline): Uncertain significance (1 of 4 stars; one submission).

Conditions:
Autosomal recessive limb-girdle muscular dystrophy type 2J (LGMDR10). Also called: Limb-girdle muscular dystrophy, type 2J; MUSCULAR DYSTROPHY, LIMB-GIRDLE, AUTOSOMAL RECESSIVE 10. Identifiers: Orphanet 140922, MedGen C1837342, MONDO:0012127, OMIM 608807.
Dilated cardiomyopathy 1G (CMD1G). Identifiers: Orphanet 154, MedGen C1858763, MONDO:0011400, OMIM 604145.

Submission:

Labcorp Genetics (formerly Invitae), Labcorp
Classification: Uncertain significance for Dilated cardiomyopathy 1G; Autosomal recessive limb-girdle muscular dystrophy type 2J. Last evaluated: 2023-11-28. Review status: criteria provided, single submitter. Criteria: Invitae Variant Classification Sherloc (09022015). Collection method: clinical testing. Allele origin: germline.
Comment: This sequence change replaces methionine, which is neutral and non-polar, with leucine, which is neutral and non-polar, at codon 35552 of the TTN protein (p.Met35552Leu). This variant is not present in population databases (gnomAD no frequency). This variant has not been reported in the literature in individuals affected with TTN-related conditions. Experimental studies and prediction algorithms are not available or were not evaluated, and the functional significance of this variant is currently unknown. This variant is located in the M band of TTN (PMID: 25589632). Non-truncating variants in this region may be relevant for neuromuscular disorders, but have not been definitively shown to cause cardiomyopathy (PMID: 23975875). In summary, the available evidence is currently insufficient to determine the role of this variant in disease. Therefore, it has been classified as a Variant of Uncertain Significance.

Literature cited by the submitters: PubMed 25589632; PubMed 23975875.

NM_001267550.2(TTN):c.106654A>T (p.Met35552Leu)

Genes: TTN (titin; minus strand), TTN-AS1 (TTN antisense RNA 1; plus strand). Cytogenetic location: 2q31.2.
Variant type: single nucleotide variant.
Coding change: c.106654A>T on transcript NM_001267550.2 (MANE Select); coding-DNA position 106654, A replaced by T.
Protein change: p.Met35552Leu; replaces methionine 35552 with leucine.
Molecular consequence: missense variant.
Genome position (GRCh38, 1-based): chr2:178,529,097, T>A on the plus strand (A>T on the coding strand, the complement: TTN is on the minus strand). VCF-style: chr2-178529097-T-A. GRCh37 (hg19) VCF-style: chr2-179393824-T-A.
Other names: c.101731A>T, p.Met33911Leu (NM_001256850.1); c.79459A>T, p.Met26487Leu (NM_003319.4); c.98950A>T, p.Met32984Leu (NM_133378.4); c.79834A>T, p.Met26612Leu (NM_133432.3); c.80035A>T, p.Met26679Leu (NM_133437.4); short protein forms M26487L, M26679L, M32984L, M26612L, M33911L, M35552L.
Identifiers: ClinVar variation 2954270 (VCV002954270.3), dbSNP rs2468311067, ClinGen allele CA349403851.